The following is an entry in ClinVar:

NM_001378615.1(CC2D2A):c.3652C>A (p.Arg1218=)

Genes: CC2D2A (coiled-coil and C2 domain containing 2A; plus strand), FBXL5 (F-box and leucine rich repeat protein 5; minus strand). Cytogenetic location: 4p15.32.
Variant type: single nucleotide variant.
Coding change: c.3652C>A on transcript NM_001378615.1 (MANE Select); coding-DNA position 3652, C replaced by A.
Protein change: p.Arg1218=; no amino-acid change (arginine 1218 retained).
Molecular consequence: synonymous variant.
Genome position (GRCh38, 1-based): chr4:15,574,207, C>A. VCF-style: chr4-15574207-C-A. GRCh37 (hg19) VCF-style: chr4-15575830-C-A.
Other names: c.3652C>A, p.Arg1218= (NM_001080522.2); c.3505C>A, p.Arg1169= (NM_001378617.1).
Identifiers: ClinVar variation 597582 (VCV000597582.16), dbSNP rs375278294, ClinGen allele CA2864220.

ClinVar aggregate classification (germline): Conflicting classifications of pathogenicity. Review status: criteria provided, conflicting classifications (1 of 4 stars). 3 submissions from 3 submitters: Uncertain significance (1); Likely benign (1). 1 of the submissions does not count toward it. Last evaluated 2025-07-20.

Conditions:
Meckel-Gruber syndrome. Also called: Dysencephalia splachnocystica; DYSENCEPHALIA SPLANCHNOCYSTICA; GRUBER SYNDROME. Identifiers: Orphanet 564, MedGen C0265215, MONDO:0018921.
Joubert syndrome. Also called: Familial aplasia of the vermis; JOUBERT-BOLTSHAUSER SYNDROME. Identifiers: Orphanet 475, MedGen C5979921, MONDO:0018772.
CC2D2A-related disorder. Also called: CC2D2A-related disorders; CC2D2A-related condition. Identifiers: MedGen CN239313.

Allele frequency attached by ClinVar (database versions not stated): gnomAD 0.00005 and 0.00007; TOPMed 0.00006; ExAC 0.00010; ESP Exome Variant Server 0.00022.

Submissions (3):

Labcorp Genetics (formerly Invitae), Labcorp
Classification: Likely benign for Joubert syndrome; Meckel-Gruber syndrome. Last evaluated: 2025-07-20. Review status: criteria provided, single submitter. Criteria: Invitae Variant Classification Sherloc (09022015). Collection method: clinical testing. Allele origin: germline.

Eurofins Ntd Llc (ga)
Classification: Uncertain significance. Last evaluated: 2018-06-13. Review status: criteria provided, single submitter. Criteria: EGL ClinVar v180209 classification definitions. Collection method: clinical testing. Allele origin: germline. Observed: 1 variant allele, 1 heterozygote.

PreventionGenetics, part of Exact Sciences
Classification: Likely benign for CC2D2A-related condition. Last evaluated: 2021-03-23. Review status: no assertion criteria provided. Collection method: clinical testing. Allele origin: germline. Not counted in ClinVar's aggregate classification.
Comment: This variant is classified as likely benign based on ACMG/AMP sequence variant interpretation guidelines (Richards et al. 2015 PMID: 25741868, with internal and published modifications).